The following is an entry in ClinVar:

ClinVar aggregate classification (germline): Pathogenic (1 of 4 stars; one submission).

Conditions:
Glaucoma 1, open angle, E. Identifiers: MedGen C1842026, MONDO:0007665.
Primary open angle glaucoma (POAG). Also called: OPTN-related open angle glaucoma. Identifiers: MedGen C0339573, MONDO:0100553, OMIM 137760.
Amyotrophic lateral sclerosis type 12 (ALS12). Also called: AMYOTROPHIC LATERAL SCLEROSIS 12 WITH OR WITHOUT FRONTOTEMPORAL DEMENTIA. Identifiers: Orphanet 803, MedGen C3150692, MONDO:0013264, OMIM 613435.

Submission:

Labcorp Genetics (formerly Invitae), Labcorp
Classification: Pathogenic for Primary open angle glaucoma; Glaucoma 1, open angle, e; Amyotrophic lateral sclerosis type 12. Last evaluated: 2017-06-14. Review status: criteria provided, single submitter. Criteria: Invitae Variant Classification Sherloc (09022015). Collection method: clinical testing. Allele origin: germline.
Comment: A gross deletion of the genomic region encompassing the full coding sequence of the OPTN gene has been identified. The boundaries of this event are unknown as the deletion extends beyond the assayed region for this gene and therefore may encompass additional genes. This variant has not been reported in the literature in individuals with an OPTN-related disease. Loss-of-function variants in OPTN are known to be pathogenic (PMID: Â¬â€ 20428114). For these reasons, this variant has been classified as Pathogenic.

NC_000010.10:g.(?_12833157)_(13178866_?)del

Genes: CAMK1D (calcium/calmodulin dependent protein kinase ID; plus strand), OPTN (optineurin; plus strand), CCDC3 (coiled-coil domain containing 3; minus strand). Cytogenetic location: 10p13.
Variant type: Deletion.
Identifiers: ClinVar variation 584050 (VCV000584050.1).